The following is an entry in ClinVar:

NM_003907.3(EIF2B5):c.975del (p.Asn326fs)

Gene: EIF2B5 (eukaryotic translation initiation factor 2B subunit epsilon; plus strand). Cytogenetic location: 3q27.1.
Variant type: Deletion.
Coding change: c.975del on transcript NM_003907.3 (MANE Select); coding-DNA position 975, one base deleted (G; older notation c.975delG).
Protein change: p.Asn326fs; shifts the reading frame from asparagine 326.
Molecular consequence: frameshift variant.
Genome position (GRCh38, 1-based): chr3:184,140,549, G deleted. VCF-style (leftmost placement, unchanged base first): chr3-184140548-CG-C. GRCh37 (hg19) VCF-style: chr3-183858336-CG-C.
Other names: short protein forms N326fs.
Identifiers: ClinVar variation 4815288 (VCV004815288.1).

ClinVar aggregate classification (germline): Likely pathogenic (1 of 4 stars; one submission).

Conditions:
Vanishing white matter disease. Also called: CACH syndrome; Childhood ataxia with diffuse central nervous system hypomyelination; Leukoencephalopathy with vanishing white matter; CACH/VWM syndrome; Cree leukoencehalopathy. Identifiers: Orphanet 135, Orphanet 99853, MedGen C1858991, MONDO:0800448.

Submission:

Natera, Inc.
Classification: Likely pathogenic for Leukoencephalopathy with vanishing white matter. Last evaluated: 2024-04-02. Review status: criteria provided, single submitter. Criteria: Natera Variant Classification Schema (03/2026). Collection method: clinical testing. Allele origin: germline.
Comment: The c.975delG variant in EIF2B5 is a frameshift variant predicted to shift the reading frame beginning at codon 326 and leads to a stop codon 31 codons downstream. This variant is expected to result in nonsense mediated decay, truncation, or a dysfunctional protein product. This variant is rare in the general population with a frequency below the threshold expected for the associated phenotype(s). Given the available evidence, this variant is classified as Likely Pathogenic.